The following is an entry in ClinVar:

ClinVar aggregate classification (germline): Pathogenic/Likely pathogenic. Review status: criteria provided, multiple submitters, no conflicts (2 of 4 stars). 4 submissions from 4 submitters: Pathogenic (2); Likely pathogenic (1). 1 of the submissions does not count toward it. Last evaluated 2025-02-04.

Conditions:
Familial long QT syndrome (RWS). Also called: Congenital long QT syndrome; Romano-Ward syndrome; VENTRICULAR FIBRILLATION WITH PROLONGED QT INTERVAL. Identifiers: Orphanet 768, MedGen C1141890, MONDO:0019171.
Long QT syndrome (LQTS). Identifiers: MedGen C0023976, MeSH D008133, MONDO:0002442. Disease mechanism: loss of function. Inheritance: Various modes of inheritance.
Long QT syndrome 2 (LQT2). Identifiers: Orphanet 101016, Orphanet 768, MedGen C3150943, MONDO:0013367, OMIM 613688.

Allele frequency attached by ClinVar (database versions not stated): gnomAD exomes below 0.00001.
gnomAD v4.1: 1 of 1,614,250 alleles (0.000062%); highest among the groups gnomAD compares: Non-Finnish European, 0.000085%; no homozygotes.

Submissions (4):

Victorian Clinical Genetics Services, Murdoch Childrens Research Institute
Classification: Pathogenic for Long QT syndrome 2. Last evaluated: 2025-02-04. Review status: criteria provided, single submitter. Criteria: ACMG Guidelines, 2015. Collection method: clinical testing. Allele origin: germline. Affected: yes.
Comment: This variant is classified as Pathogenic. Evidence in support of pathogenic classification: Variant is present in gnomAD <0.001 for a dominant condition (v4: 1 heterozygote(s), 0 homozygote(s)); This variant has strong previous evidence of pathogenicity in unrelated individuals. It has been classified as likely pathogenic by a clinical laboratory in ClinVar and has been reported in the literature predominantly in large cohorts with LQTS, and a single report of perinatal LQTS (PMIDs: 15840476, 26669661, 23631430, 29766883, 17088455). - Other missense variant(s) comparable to the one identified in this case have moderate previous evidence for pathogenicity. p.(Thr623Ala) and p.(Thr623Asn) have been reported in a large cohort with LQTS and in a fetus with LQTS, respectivley (PMIDs: 26669661, 36523767); Missense variant in a region that is highly intolerant to missense variation (high constraint region in DECIPHER). Variant is located in the pore domain (PMID: 19841300). - Missense variant predicted to be damaging by in silico tool(s) or highly conserved with a major amino acid change; Additional information: Variant is predicted to result in a missense amino acid change from threonine to isoleucine; This variant is heterozygous; This gene is associated with autosomal dominant disease; Dominant negative and loss of function are known mechanisms of disease in this gene and are associated with long QT syndrome 2 (MIM#613688). Gain of function is also a known mechanism associated with short QT syndrome 1 (MIM#609620) (OMIM, PMIDs: 10753933, 21777565); The condition associated with this gene has incomplete penetrance (PMID: 20301308).

Labcorp Genetics (formerly Invitae), Labcorp
Classification: Likely pathogenic for Long QT syndrome. Last evaluated: 2023-02-22. Review status: criteria provided, single submitter. Criteria: Invitae Variant Classification Sherloc (09022015). Collection method: clinical testing. Allele origin: germline.
Comment: In summary, the currently available evidence indicates that the variant is pathogenic, but additional data are needed to prove that conclusively. Therefore, this variant has been classified as Likely Pathogenic. Experimental studies have shown that this missense change affects KCNH2 function (PMID: 16432067, 23303164). An algorithm developed to predict the effect of missense changes on protein structure and function (PolyPhen-2) suggests that this variant is likely to be disruptive. ClinVar contains an entry for this variant (Variation ID: 67302). This missense change has been observed in individuals with Long QT Syndrome (PMID: 18441445, 22949429, 29766883). This variant is not present in population databases (gnomAD no frequency). This sequence change replaces threonine, which is neutral and polar, with isoleucine, which is neutral and non-polar, at codon 623 of the KCNH2 protein (p.Thr623Ile).

Petrovsky National Research Centre of Surgery, The Federal Agency for Scientific Organizations
Classification: Pathogenic for Long QT syndrome 2. Review status: criteria provided, single submitter. Criteria: ACMG Guidelines, 2015. Collection method: clinical testing. Allele origin: de novo. Affected: yes. Observed: 1 variant allele, 1 heterozygote.
Comment: De novo origin was confirmed. This variant has been reported in studies (PMID: 20301308, 36523767, 29766883, 26669661 and others) in patients with LQTS phenotypes. This variant is in The Genome Aggregation Database (gnomAD) v4.1.0 with total MAF 0.0000006195 (Date of access 01-06-2026). In accordance with ACMG (2015) criteria this variant is classified as Pathogenic (P) with following criteria selected: PS4, PM2, PM6, PP3, PM5, PM1_strong.

Cardiovascular Biomedical Research Unit, Royal Brompton & Harefield NHS Foundation Trust
No classification provided. Condition: Familial long QT syndrome. Review status: no classification provided. Collection method: literature only. Allele origin: germline. Not counted in ClinVar's aggregate classification.
Comment: This variant has been reported as associated with Long QT syndrome in the following publications (PMID:15840476;PMID:16432067;PMID:19841300). This is a literature report, and does not necessarily reflect the clinical interpretation of the Imperial College / Royal Brompton Cardiovascular Genetics laboratory.

Literature cited by the submitters: PubMed 17088455 (cited by Victorian Clinical Genetics Services, Murdoch Childrens Research Institute); PubMed 21777565 (cited by Victorian Clinical Genetics Services, Murdoch Childrens Research Institute); PubMed 15840476 (cited by Victorian Clinical Genetics Services, Murdoch Childrens Research Institute and Cardiovascular Biomedical Research Unit, Royal Brompton & Harefield NHS Foundation Trust); PubMed 19841300 (cited by Victorian Clinical Genetics Services, Murdoch Childrens Research Institute and Cardiovascular Biomedical Research Unit, Royal Brompton & Harefield NHS Foundation Trust); PubMed 10753933 (cited by Victorian Clinical Genetics Services, Murdoch Childrens Research Institute); PubMed 23631430 (cited by Victorian Clinical Genetics Services, Murdoch Childrens Research Institute); PubMed 36523767 (cited by Victorian Clinical Genetics Services, Murdoch Childrens Research Institute and Petrovsky National Research Centre of Surgery, The Federal Agency for Scientific Organizations); PubMed 26669661 (cited by Victorian Clinical Genetics Services, Murdoch Childrens Research Institute and Petrovsky National Research Centre of Surgery, The Federal Agency for Scientific Organizations); PubMed 29766883 (cited by 3 submitters); PubMed 20301308 (cited by Victorian Clinical Genetics Services, Murdoch Childrens Research Institute and Petrovsky National Research Centre of Surgery, The Federal Agency for Scientific Organizations); PubMed 16432067 (cited by Labcorp Genetics (formerly Invitae), Labcorp and Cardiovascular Biomedical Research Unit, Royal Brompton & Harefield NHS Foundation Trust); PubMed 23303164 (cited by Labcorp Genetics (formerly Invitae), Labcorp); PubMed 18441445 (cited by Labcorp Genetics (formerly Invitae), Labcorp); PubMed 22949429 (cited by Labcorp Genetics (formerly Invitae), Labcorp); PubMed 22581653 (cited by Cardiovascular Biomedical Research Unit, Royal Brompton & Harefield NHS Foundation Trust).

NM_000238.4(KCNH2):c.1868C>T (p.Thr623Ile)

Gene: KCNH2 (potassium voltage-gated channel subfamily H member 2; minus strand). Cytogenetic location: 7q36.1.
Variant type: single nucleotide variant.
Coding change: c.1868C>T on transcript NM_000238.4 (MANE Select); coding-DNA position 1868, C replaced by T.
Protein change: p.Thr623Ile; replaces threonine 623 with isoleucine.
Molecular consequence: missense variant.
Genome position (GRCh38, 1-based): chr7:150,951,525, G>A on the plus strand (C>T on the coding strand, the complement: KCNH2 is on the minus strand). VCF-style: chr7-150951525-G-A. GRCh37 (hg19) VCF-style: chr7-150648613-G-A.
Other names: c.1868C>T (LRG_288t1); c.848C>T, p.Thr283Ile (NM_001204798.2, NM_172057.3); c.1580C>T, p.Thr527Ile (NM_001406753.1, NM_001406756.1); c.1691C>T, p.Thr564Ile (NM_001406755.1); c.1568C>T, p.Thr523Ile (NM_001406757.1); c.1868C>T, p.Thr623Ile (NM_172056.3); short protein forms T283I, T623I, T523I, T527I, T564I.
Identifiers: ClinVar variation 67302 (VCV000067302.9), dbSNP rs199472950, ClinGen allele CA005728.